The following is an entry in ClinVar:

ClinVar aggregate classification (germline): Likely pathogenic. Review status: criteria provided, multiple submitters, no conflicts (2 of 4 stars). 3 submissions from 3 submitters: Likely pathogenic (3). Last evaluated 2023-10-27.

Conditions:
IMPG2-related disorders.
Vitelliform macular dystrophy 5. Identifiers: Orphanet 99000, MedGen C4015343, MONDO:0014509, OMIM 616152.
Retinal dystrophy. Also called: Inherited retinal dystrophy. Identifiers: Orphanet 71862, MedGen C0854723, MeSH D058499, MONDO:0019118, HP:0000556.

Allele frequency attached by ClinVar (database versions not stated): gnomAD exomes below 0.00001.
gnomAD v4.1: 1 of 1,614,072 alleles (0.000062%); highest among the groups gnomAD compares: Non-Finnish European, 0.000085%; no homozygotes.

Submissions (3):

Institute of Human Genetics, University of Leipzig Medical Center
Classification: Likely pathogenic for Vitelliform macular dystrophy 5. Last evaluated: 2023-10-27. Review status: criteria provided, single submitter. Criteria: ACMG Guidelines, 2015. Collection method: clinical testing. Allele origin: unknown. Inheritance: Autosomal dominant inheritance. Affected: yes.
Comment: Criteria applied: PS3,PS4_MOD,PM2_SUP

Blueprint Genetics
Classification: Likely pathogenic for IMPG2-related disorders. Last evaluated: 2022-01-11. Review status: criteria provided, single submitter. Criteria: ACMG Guidelines, 2015. Collection method: clinical testing. Allele origin: germline. Affected: yes. Observed: 1 variant allele.

Institute of Human Genetics, Univ. Regensburg, Univ. Regensburg
Classification: Likely pathogenic for Retinal dystrophy. Last evaluated: 2022-01-01. Review status: criteria provided, single submitter. Criteria: ACMG Guidelines, 2015. Collection method: clinical testing. Allele origin: germline. Affected: yes.

Literature cited by the submitters: PubMed 28644393 (cited by Institute of Human Genetics, Univ. Regensburg, Univ. Regensburg).

NM_016247.4(IMPG2):c.3047T>C (p.Phe1016Ser)

Gene: IMPG2 (interphotoreceptor matrix proteoglycan 2; minus strand). Cytogenetic location: 3q12.3.
Variant type: single nucleotide variant.
Coding change: c.3047T>C on transcript NM_016247.4 (MANE Select); coding-DNA position 3047, T replaced by C.
Protein change: p.Phe1016Ser; replaces phenylalanine 1016 with serine.
Molecular consequence: missense variant.
Genome position (GRCh38, 1-based): chr3:101,232,967, A>G on the plus strand (T>C on the coding strand, the complement: IMPG2 is on the minus strand). VCF-style: chr3-101232967-A-G. GRCh37 (hg19) VCF-style: chr3-100951811-A-G.
Other names: short protein forms F1016S.
Identifiers: ClinVar variation 2627610 (VCV002627610.4), dbSNP rs2508925531, ClinGen allele CA353850796.